The following is an entry in ClinVar:

ClinVar aggregate classification (germline): Likely benign. Review status: criteria provided, multiple submitters, no conflicts (2 of 4 stars). 4 submissions from 4 submitters: Likely benign (4). Last evaluated 2026-03-02.

Conditions:
LRP2-related disorder. Also called: LRP2-related condition.
Donnai-Barrow syndrome. Also called: FACIOOCULOACOUSTICORENAL SYNDROME; DBS/FOAR SYNDROME. Identifiers: Orphanet 2143, MedGen C1857277, MONDO:0009104, OMIM 222448.

Allele frequency attached by ClinVar (database versions not stated): ExAC 0.00004; gnomAD 0.00004 and 0.00005; gnomAD exomes 0.00004 and 0.00006; TOPMed 0.00004; ESP Exome Variant Server 0.00008; 1000 Genomes Project 30x 0.00016; 1000 Genomes Project 0.00020.
gnomAD v4.1: 68 of 1,614,262 alleles (0.0042%); highest among the groups gnomAD compares: East Asian, 0.018%; no homozygotes.

Submissions (4):

PreventionGenetics, part of Exact Sciences
Classification: Likely benign for LRP2-related condition. Last evaluated: 2026-03-02. Review status: criteria provided, single submitter. Criteria: ACMG Guidelines, 2015. Collection method: clinical testing. Allele origin: germline.
Comment: This variant is classified as likely benign based on ACMG/AMP sequence variant interpretation guidelines (Richards et al. 2015 PMID: 25741868, with internal and published modifications).

Labcorp Genetics (formerly Invitae), Labcorp
Classification: Likely benign. Last evaluated: 2025-11-13. Review status: criteria provided, single submitter. Criteria: Invitae Variant Classification Sherloc (09022015). Collection method: clinical testing. Allele origin: germline.

Blueprint Genetics
Classification: Likely benign. Last evaluated: 2024-11-26. Review status: criteria provided, single submitter. Criteria: ACMG Guidelines, 2015. Collection method: clinical testing. Allele origin: germline.

Fulgent Genetics
Classification: Likely benign for Donnai-Barrow syndrome. Last evaluated: 2021-08-19. Review status: criteria provided, single submitter. Criteria: ACMG Guidelines, 2015. Collection method: clinical testing. Allele origin: unknown.

NM_004525.3(LRP2):c.3312C>T (p.His1104=)

Gene: LRP2 (LDL receptor related protein 2; minus strand). Cytogenetic location: 2q31.1.
Variant type: single nucleotide variant.
Coding change: c.3312C>T on transcript NM_004525.3 (MANE Select); coding-DNA position 3312, C replaced by T.
Protein change: p.His1104=; no amino-acid change (histidine 1104 retained).
Molecular consequence: synonymous variant.
Genome position (GRCh38, 1-based): chr2:169,244,811, G>A on the plus strand (C>T on the coding strand, the complement: LRP2 is on the minus strand). VCF-style: chr2-169244811-G-A. GRCh37 (hg19) VCF-style: chr2-170101321-G-A.
Other names: c.3312C>T (NM_004525.2).
Identifiers: ClinVar variation 1595202 (VCV001595202.11), dbSNP rs188152163, ClinGen allele CA1955060.
Genomic context (GRCh38, chr2:169,244,811, plus strand): 5'-CTTTGAGATACACTGGTGATTATCACAGGTGTATTGGGTGTCAAGGCAGGAAGCAGGTGC[G>A]TGGGTGGGGCAGTTGTGCTCATCACTGCCATCCACACAGTCGTTGCGTTTGTCACAGCGC-3'
Protein context (NP_004516.2, residues 1094-1114): DGSDEHNCPT[His1104=]APASCLDTQY